The following is an entry in ClinVar:

NM_033305.3(VPS13A):c.755-1G>A

Gene: VPS13A (vacuolar protein sorting 13 homolog A; plus strand). Cytogenetic location: 9q21.2.
Variant type: single nucleotide variant.
Coding change: c.755-1G>A on transcript NM_033305.3 (MANE Select); the canonical splice acceptor site of the intron before coding-DNA position 755, G replaced by A.
Molecular consequence: splice acceptor variant.
Genome position (GRCh38, 1-based): chr9:77,219,953, G>A. VCF-style: chr9-77219953-G-A. GRCh37 (hg19) VCF-style: chr9-79834869-G-A.
Other names: c.755-1G>A (NM_033305.2, NM_001018037.2, NM_015186.4 and 1 more transcripts).
Identifiers: ClinVar variation 2577484 (VCV002577484.4), dbSNP rs2537595478, ClinGen allele CA373843011.

ClinVar aggregate classification (germline): Pathogenic/Likely pathogenic. Review status: criteria provided, multiple submitters, no conflicts (2 of 4 stars). 3 submissions from 3 submitters: Pathogenic (2); Likely pathogenic (1). Last evaluated 2024-11-19.

Conditions:
VPS13A-related neurodegenerative disease. Also called: VPS13A Disease; LEVINE-CRITCHLEY SYNDROME; Choreoacanthocytosis; ACANTHOCYTOSIS WITH NEUROLOGIC DISORDER; Chorea-acanthocytosis; Choreaacanthocytosis. Identifiers: Orphanet 2388, MedGen C0393576, MONDO:0008695, OMIM 200150.

Allele frequency attached by ClinVar (database versions not stated): gnomAD exomes below 0.00001.
gnomAD v4.1: 1 of 1,613,120 alleles (0.000062%); highest among the groups gnomAD compares: South Asian, 0.0011%; no homozygotes.

Submissions (3):

Natera, Inc.
Classification: Pathogenic for Choreaacanthocytosis. Last evaluated: 2024-11-19. Review status: criteria provided, single submitter. Criteria: Natera Variant Classification Schema (03/2026). Collection method: clinical testing. Allele origin: germline.
Comment: The c.755-1G>A variant in VPS13A is a canonical splice acceptor site variant predicted to affect pre-mRNA splicing, which may result in an abnormal transcript and altered protein product. This variant is expected to result in nonsense mediated decay, truncation, or a dysfunctional protein product. This variant is rare in the general population with a frequency below the threshold expected for the associated phenotype(s). This variant has been observed in one or more individuals affected with the associated recessive disease, as either homozygous or compound heterozygous with a second variant (PMID: 38519717). Given the available evidence, this variant is classified as Pathogenic.

Fulgent Genetics
Classification: Likely pathogenic for VPS13A-related neurodegenerative disease. Last evaluated: 2024-03-01. Review status: criteria provided, single submitter. Criteria: ACMG Guidelines, 2015. Collection method: clinical testing. Allele origin: germline.

Department of Genetics and Molecular Medicine, Faculty of Medicine, Zanjan University of Medical Sciences
Classification: Pathogenic for VPS13A-related neurodegenerative disease. Review status: criteria provided, single submitter. Criteria: ACMG Guidelines, 2015. Collection method: clinical testing. Allele origin: biparental. Inheritance: Autosomal recessive inheritance. Affected: yes. Observed: 1 homozygote.
Comment: The variant c.755-1G>A was predicted by ASSP, NNSplice, and Netgene2 to disrupt the normal acceptor splice site. These programs identified an alternative splice acceptor site (ctttaattttccattctttAGtatttcagtattatggagct) located at the 3-prime end of intron 11, with scores of 8.395 (ASSP), 0.96 (NNsplice), and 0.27 (Netgene2). This alteration is expected to result in the skipping of exon 11, leading to a frameshift and the formation of a premature termination codon.this variant was not detected in control databases such as the 1000G, EVS, ExAC, and dbSNP or in the literature. Additionally, this variant was absent in the Iranome database.

Literature cited by the submitters: PubMed 38519717 (cited by Natera, Inc.).